The following is an entry in ClinVar:

ClinVar aggregate classification (germline): Uncertain significance. Review status: criteria provided, multiple submitters, no conflicts (2 of 4 stars). 2 submissions from 2 submitters: Uncertain significance (2). Last evaluated 2025-06-13.

Conditions:
Dilated cardiomyopathy 1G (CMD1G). Identifiers: Orphanet 154, MedGen C1858763, MONDO:0011400, OMIM 604145.
Autosomal recessive limb-girdle muscular dystrophy type 2J (LGMDR10). Also called: MUSCULAR DYSTROPHY, LIMB-GIRDLE, AUTOSOMAL RECESSIVE 10; Limb-girdle muscular dystrophy, type 2J. Identifiers: Orphanet 140922, MedGen C1837342, MONDO:0012127, OMIM 608807.

Allele frequency attached by ClinVar (database versions not stated): TOPMed below 0.00001; ExAC 0.00001; gnomAD 0.00001.
gnomAD v4.1: 3 of 1,611,676 alleles (0.00019%); highest among the groups gnomAD compares: East Asian, 0.0022%; no homozygotes.

Submissions (2):

Revvity Omics, Revvity
Classification: Uncertain significance. Last evaluated: 2025-06-13. Review status: criteria provided, single submitter. Criteria: ACMG Guidelines, 2015. Collection method: clinical testing. Allele origin: germline.

Labcorp Genetics (formerly Invitae), Labcorp
Classification: Uncertain significance for Dilated cardiomyopathy 1G; Autosomal recessive limb-girdle muscular dystrophy type 2J. Last evaluated: 2025-05-05. Review status: criteria provided, single submitter. Criteria: Invitae Variant Classification Sherloc (09022015). Collection method: clinical testing. Allele origin: germline.
Comment: This sequence change replaces isoleucine, which is neutral and non-polar, with valine, which is neutral and non-polar, at codon 33895 of the TTN protein (p.Ile33895Val). This variant is present in population databases (rs759278414, gnomAD 0.003%). This variant has not been reported in the literature in individuals affected with TTN-related conditions. ClinVar contains an entry for this variant (Variation ID: 1954340). Experimental studies and prediction algorithms are not available or were not evaluated, and the functional significance of this variant is currently unknown. This variant is located in the M band of TTN (PMID: 25589632). Non-truncating variants in this region may be relevant for neuromuscular disorders, but have not been definitively shown to cause cardiomyopathy (PMID: 23975875). In summary, the available evidence is currently insufficient to determine the role of this variant in disease. Therefore, it has been classified as a Variant of Uncertain Significance.

Literature cited by the submitters: PubMed 25589632 (cited by Labcorp Genetics (formerly Invitae), Labcorp); PubMed 23975875 (cited by Labcorp Genetics (formerly Invitae), Labcorp).

NM_001267550.2(TTN):c.101683A>G (p.Ile33895Val)

Genes: TTN (titin; minus strand), TTN-AS1 (TTN antisense RNA 1; plus strand). Cytogenetic location: 2q31.2.
Variant type: single nucleotide variant.
Coding change: c.101683A>G on transcript NM_001267550.2 (MANE Select); coding-DNA position 101683, A replaced by G.
Protein change: p.Ile33895Val; replaces isoleucine 33895 with valine.
Molecular consequence: missense variant.
Genome position (GRCh38, 1-based): chr2:178,534,932, T>C on the plus strand (A>G on the coding strand, the complement: TTN is on the minus strand). VCF-style: chr2-178534932-T-C. GRCh37 (hg19) VCF-style: chr2-179399659-T-C.
Other names: c.96760A>G, p.Ile32254Val (NM_001256850.1); c.74488A>G, p.Ile24830Val (NM_003319.4); c.93979A>G, p.Ile31327Val (NM_133378.4); c.74863A>G, p.Ile24955Val (NM_133432.3); c.75064A>G, p.Ile25022Val (NM_133437.4); short protein forms I25022V, I24830V, I31327V, I33895V, I24955V, I32254V.
Identifiers: ClinVar variation 1954340 (VCV001954340.6), dbSNP rs759278414, ClinGen allele CA1985851.